The following is an entry in ClinVar:

NM_003900.5(SQSTM1):c.363G>A (p.Met121Ile)

Gene: SQSTM1 (sequestosome 1; plus strand). Cytogenetic location: 5q35.3.
Variant type: single nucleotide variant.
Coding change: c.363G>A on transcript NM_003900.5 (MANE Select); coding-DNA position 363, G replaced by A.
Protein change: p.Met121Ile; replaces methionine 121 with isoleucine.
Molecular consequence: missense variant.
Genome position (GRCh38, 1-based): chr5:179,823,919, G>A. VCF-style: chr5-179823919-G-A. GRCh37 (hg19) VCF-style: chr5-179250919-G-A.
Other names: c.111G>A, p.Met37Ile (NM_001142298.2, NM_001142299.2); short protein forms M121I, M37I.
Identifiers: ClinVar variation 1996715 (VCV001996715.4), dbSNP rs1206555744, ClinGen allele CA362443551.

ClinVar aggregate classification (germline): Uncertain significance (1 of 4 stars; one submission).

Conditions:
Paget disease of bone 2, early-onset (PDB2). Also called: Paget disease of bone 2. Identifiers: MedGen C4085251, MONDO:0011183, OMIM 602080.
Frontotemporal dementia and/or amyotrophic lateral sclerosis 1 (FTDALS1). Also called: Frontotemporal dementia with motor neuron disease 1; C9orf72 Frontotemporal Dementia and/or Amyotrophic Lateral Sclerosis. Identifiers: Orphanet 275872, MedGen C5779877, MONDO:0007105, OMIM 105550.

Allele frequency attached by ClinVar (database versions not stated): gnomAD exomes below 0.00001.

Submission:

Labcorp Genetics (formerly Invitae), Labcorp
Classification: Uncertain significance for Paget disease of bone 2, early-onset; Frontotemporal dementia and/or amyotrophic lateral sclerosis 1. Last evaluated: 2025-06-20. Review status: criteria provided, single submitter. Criteria: Invitae Variant Classification Sherloc (09022015). Collection method: clinical testing. Allele origin: germline.
Comment: This sequence change replaces methionine, which is neutral and non-polar, with isoleucine, which is neutral and non-polar, at codon 121 of the SQSTM1 protein (p.Met121Ile). The frequency data for this variant in the population databases is considered unreliable, as metrics indicate poor data quality at this position in the gnomAD database. This variant has not been reported in the literature in individuals affected with SQSTM1-related conditions. ClinVar contains an entry for this variant (Variation ID: 1996715). Invitae Evidence Modeling of protein sequence and biophysical properties (such as structural, functional, and spatial information, amino acid conservation, physicochemical variation, residue mobility, and thermodynamic stability) indicates that this missense variant is not expected to disrupt SQSTM1 protein function with a negative predictive value of 80%. In summary, the available evidence is currently insufficient to determine the role of this variant in disease. Therefore, it has been classified as a Variant of Uncertain Significance.